The following is an entry in ClinVar:

NM_000073.3(CD3G):c.213dup (p.Trp72fs)

Genes: CD3G (CD3 gamma subunit of T-cell receptor complex; plus strand), LOC126861358 (BRD4-independent group 4 enhancer GRCh37_chr11:118220212-118221411; plus strand). Cytogenetic location: 11q23.3.
Variant type: Duplication.
Coding change: c.213dup on transcript NM_000073.3 (MANE Select); coding-DNA position 213, one base duplicated (A; older notation c.213dupA).
Protein change: p.Trp72fs; shifts the reading frame from tryptophan 72.
Molecular consequence: frameshift variant.
Genome position (GRCh38, 1-based): chr11:118,349,876, A duplicated; the last of 9 consecutive A bases (chr11:118,349,868-118,349,876); duplicating any one gives the same sequence. VCF-style (leftmost placement, unchanged base first): chr11-118349867-T-TA. GRCh37 (hg19) VCF-style: chr11-118220582-T-TA.
Other names: c.213dupA (NM_000073.2); short protein forms W72fs.
Identifiers: ClinVar variation 580586 (VCV000580586.15), dbSNP rs570768621, ClinGen allele CA6302133.

ClinVar aggregate classification (germline): Pathogenic/Likely pathogenic. Review status: criteria provided, multiple submitters, no conflicts (2 of 4 stars). 6 submissions from 6 submitters: Pathogenic (3); Likely pathogenic (3). Last evaluated 2026-01-20.

Conditions:
CD3G-related disorder. Also called: CD3G-related condition.
Severe combined immunodeficiency disease. Also called: Severe Combined Immune Deficiency; Severe combined immunodeficiency. Identifiers: Orphanet 183660, MedGen C0085110, MeSH D016511, MONDO:0015974, HP:0004430. Inheritance: X-Linked or Autosomal recessive.
Combined immunodeficiency due to CD3gamma deficiency. Also called: CD3-GAMMA DEFICIENCY; SCID-LIKE IMMUNODEFICIENCY, T CELL-PARTIAL, B CELL-POSITIVE, NK CELL-POSITIVE; Immunodeficiency 17; Immunodeficiency 17, CD3 gamma deficient. Identifiers: Orphanet 169082, MedGen C3810107, MONDO:0014276, OMIM 615607.

Submissions (6):

Labcorp Genetics (formerly Invitae), Labcorp
Classification: Pathogenic for Combined immunodeficiency due to CD3gamma deficiency. Last evaluated: 2026-01-20. Review status: criteria provided, single submitter. Criteria: Invitae Variant Classification Sherloc (09022015). Collection method: clinical testing. Allele origin: germline.
Comment: This sequence change creates a premature translational stop signal (p.Trp72Metfs*6) in the CD3G gene. It is expected to result in an absent or disrupted protein product. Loss-of-function variants in CD3G are known to be pathogenic (PMID: 1635567, 17277165, 24910257). The frequency data for this variant in the population databases is considered unreliable, as metrics indicate poor data quality at this position in the gnomAD database. This variant has not been reported in the literature in individuals affected with CD3G-related conditions. ClinVar contains an entry for this variant (Variation ID: 580586). For these reasons, this variant has been classified as Pathogenic.

Genomic Medicine Center of Excellence, King Faisal Specialist Hospital and Research Centre
Classification: Pathogenic for Combined immunodeficiency due to CD3gamma deficiency. Last evaluated: 2025-09-10. Review status: criteria provided, single submitter. Criteria: ACMG Guidelines, 2015. Collection method: clinical testing. Allele origin: germline.

First Genomix Gene Laboratory, Genetic Diagnostics Department
Classification: Pathogenic for Combined immunodeficiency due to CD3gamma deficiency. Last evaluated: 2025-09-04. Review status: criteria provided, single submitter. Criteria: ACMG Guidelines, 2015. Collection method: clinical testing. Allele origin: germline. Inheritance: Autosomal recessive inheritance. Affected: no. Observed: 1 variant allele.

PreventionGenetics, part of Exact Sciences
Classification: Likely pathogenic for CD3G-related condition. Last evaluated: 2025-01-04. Review status: criteria provided, single submitter. Criteria: ACMG Guidelines, 2015. Collection method: clinical testing. Allele origin: germline.
Comment: The CD3G c.213dupA variant is predicted to result in a frameshift and premature protein termination (p.Trp72Metfs*6). To our knowledge, this variant has not been reported in individuals affected with CD3G-related disorders. This variant is reported in 0.0067% of alleles in individuals of South Asian descent in gnomAD. Frameshift variants in CD3G are expected to be pathogenic. This variant is interpreted as likely pathogenic.

Blueprint Genetics
Classification: Likely pathogenic for CD3G-related disorders. Last evaluated: 2024-10-16. Review status: criteria provided, single submitter. Criteria: ACMG Guidelines, 2015. Collection method: clinical testing. Allele origin: de novo. Affected: yes. Observed: 5 variant alleles.

Women's Health and Genetics/Laboratory Corporation of America, LabCorp
Classification: Likely pathogenic for Severe combined immunodeficiency disease. Last evaluated: 2022-06-24. Review status: criteria provided, single submitter. Criteria: LabCorp Variant Classification Summary - May 2015. Collection method: clinical testing. Allele origin: germline.
Comment: Variant summary: CD3G c.213dupA (p.Trp72MetfsX6) results in a premature termination codon, predicted to cause a truncation of the encoded protein or absence of the protein due to nonsense mediated decay, which are commonly known mechanisms for disease. Truncations downstream of this position have been classified as pathogenic within ClinVar (e.g. c.496C>T [p.Arg166Ter]). The variant allele was found at a frequency of 5.3e-05 in 246942 control chromosomes (gnomAD). This frequency is not significantly higher than expected for a pathogenic variant in CD3G causing Severe Combined Immunodeficiency (5.3e-05 vs 0.00035), allowing no conclusion about variant significance. To our knowledge, no occurrence of c.213dupA in individuals affected with Severe Combined Immunodeficiency and no experimental evidence demonstrating its impact on protein function have been reported. Two ClinVar submitters have assessed the variant since 2014: both classified the variant as pathogenic. Based on the evidence outlined above, the variant was classified as likely pathogenic.

Literature cited by the submitters: PubMed 1635567 (cited by Labcorp Genetics (formerly Invitae), Labcorp); PubMed 17277165 (cited by Labcorp Genetics (formerly Invitae), Labcorp); PubMed 24910257 (cited by Labcorp Genetics (formerly Invitae), Labcorp).